The following is an entry in ClinVar:

ClinVar aggregate classification (germline): Uncertain significance (1 of 4 stars; one submission).

Conditions:
Rubinstein-Taybi syndrome due to CREBBP mutations (RSTS1). Also called: BROAD THUMBS AND GREAT TOES, CHARACTERISTIC FACIES, AND IMPAIRED INTELLECTUAL DEVELOPMENT; RUBINSTEIN SYNDROME; BROAD THUMB-HALLUX SYNDROME; RUBINSTEIN-TAYBI SYNDROME 1, INCOMPLETE; Rubinstein-Taybi syndrome 1; CREBBP-Related Rubinstein-Taybi Syndrome. Identifiers: Orphanet 353277, Orphanet 783, MedGen C4551859, MONDO:0008393, OMIM 180849.

Submission:

Victorian Clinical Genetics Services, Murdoch Childrens Research Institute
Classification: Uncertain significance for Rubinstein-Taybi syndrome due to CREBBP mutations. Last evaluated: 2020-10-19. Review status: criteria provided, single submitter. Criteria: ACMG Guidelines, 2015. Collection method: clinical testing. Allele origin: germline. Inheritance: Autosomal dominant inheritance.
Comment: Based on the classification scheme VCGS_Germline_v1.3.3, this variant is classified as 3B-VUS. Following criteria are met: 0102 - Loss of function is a known mechanism of disease in this gene and is associated with Rubinstein-Taybi syndrome 1. (I) 0107 - This gene is associated with autosomal dominant disease. (I) 0200 - Variant is predicted to result in a missense amino acid change from valine to leucine. (I) 0254 - This variant is suspected mosaic. Mosaic variants in CREBBP have previously been reported as pathogenic in patients with Rubinstein-Taybi syndrome (PMID: 26956253). (I) 0301 - Variant is absent from gnomAD (both v2 and v3). (SP) 0503 - Missense variant consistently predicted to be tolerated by multiple in silico tools or not conserved in placental mammals with a minor amino acid change. (SB) 0604 - Variant is not located in an established domain, motif, hotspot or informative constraint region. (I) 0705 - No comparable missense variants have previous evidence for pathogenicity. (I) 0807 - This variant has no previous evidence of pathogenicity. (I) 0905 - No published segregation evidence has been identified for this variant. (I) 1007 - No published functional evidence has been identified for this variant. (I) 1101 - Very strong and specific phenotype match for this individual. (SP) 1208 - Inheritance information for this variant is not currently available in this individual. (I) Legend: (SP) - Supporting pathogenic, (I) - Information, (SB) - Supporting benign

Literature cited by the submitters: PubMed 26956253.

NM_004380.3(CREBBP):c.3163G>T (p.Val1055Leu)

Gene: CREBBP (CREB binding lysine acetyltransferase; minus strand). Cytogenetic location: 16p13.3.
Variant type: single nucleotide variant.
Coding change: c.3163G>T on transcript NM_004380.3 (MANE Select); coding-DNA position 3163, G replaced by T.
Protein change: p.Val1055Leu; replaces valine 1055 with leucine.
Molecular consequence: missense variant.
Genome position (GRCh38, 1-based): chr16:3,767,807, C>A on the plus strand (G>T on the coding strand, the complement: CREBBP is on the minus strand). VCF-style: chr16-3767807-C-A. GRCh37 (hg19) VCF-style: chr16-3817808-C-A.
Other names: c.3049G>T, p.Val1017Leu (NM_001079846.1); short protein forms V1017L, V1055L.
Identifiers: ClinVar variation 1805595 (VCV001805595.1), dbSNP rs2141182449, ClinGen allele CA394570708.